The following is an entry in ClinVar:

NM_030662.4(MAP2K2):c.453C>T (p.Asp151=)

Gene: MAP2K2 (mitogen-activated protein kinase kinase 2; minus strand). Cytogenetic location: 19p13.3.
Variant type: single nucleotide variant.
Coding change: c.453C>T on transcript NM_030662.4 (MANE Select); coding-DNA position 453, C replaced by T.
Protein change: p.Asp151=; no amino-acid change (aspartic acid 151 retained).
Molecular consequence: synonymous variant.
Genome position (GRCh38, 1-based): chr19:4,102,451, G>A on the plus strand (C>T on the coding strand, the complement: MAP2K2 is on the minus strand). VCF-style: chr19-4102451-G-A. GRCh37 (hg19) VCF-style: chr19-4102449-G-A.
Other names: p.D151D:GAC>GAT; NM_030662.3(MAP2K2):c.453C>T.
Identifiers: ClinVar variation 46237 (VCV000046237.42), dbSNP rs17851657, ClinGen allele CA137943.

ClinVar aggregate classification (germline): Benign. Review status: reviewed by expert panel (3 of 4 stars). 14 submissions from 14 submitters: Benign (1). 13 of the submissions do not count toward it. Last evaluated 2017-05-09.

Conditions:
Cardiofaciocutaneous syndrome 4 (CFC4). Also called: MAP2K2-Related Cardiofaciocutaneous Syndrome. Identifiers: Orphanet 1340, MedGen C3809007, MONDO:0014114, OMIM 615280.
Cardiovascular phenotype. Identifiers: MedGen CN230736.
RASopathy. Also called: rasopathies; Noonan spectrum disorder. Identifiers: Orphanet 536391, MedGen C5555857, MONDO:0021060.

Allele frequency attached by ClinVar (database versions not stated): 1000 Genomes Project 30x 0.10821; 1000 Genomes Project 0.11122; TOPMed 0.13177; gnomAD 0.13902 and 0.14085; ESP Exome Variant Server 0.14276; gnomAD exomes 0.16298; ExAC 0.23147.
gnomAD v4.1: 293,088 of 1,595,462 alleles (18%); highest among the groups gnomAD compares: Middle Eastern, 21%; 29,016 homozygotes.

Submissions (14):

ClinGen RASopathy Variant Curation Expert Panel
Classification: Benign for Noonan syndrome and Noonan-related syndrome. Last evaluated: 2017-05-09. Review status: reviewed by expert panel. Criteria: ClinGen RASopathy ACMG Specifications v1. Collection method: curation. Allele origin: germline. Inheritance: Autosomal dominant inheritance.
Comment: The filtering allele frequency of the c.453C>T (p.Asp151=) variant in the MAP2K2 gene is 27.128% (10569/38338) of European chromosomes by the Exome Aggregation Consortium, which is a high enough frequency to be classified as benign based on thresholds defined by the ClinGen RASopathy Expert Panel (BA1; PMID:29493581)

Labcorp Genetics (formerly Invitae), Labcorp
Classification: Benign for RASopathy. Last evaluated: 2026-02-04. Review status: criteria provided, single submitter. Criteria: Invitae Variant Classification Sherloc (09022015). Collection method: clinical testing. Allele origin: germline. Not counted in ClinVar's aggregate classification.

ARUP Laboratories, Molecular Genetics and Genomics, ARUP Laboratories
Classification: Benign for Cardiofaciocutaneous syndrome 4. Last evaluated: 2025-07-29. Review status: criteria provided, single submitter. Criteria: ARUP Molecular Germline Variant Investigation Process 2024. Collection method: clinical testing. Allele origin: germline. Not counted in ClinVar's aggregate classification.

Blueprint Genetics
Classification: Likely benign. Last evaluated: 2024-11-28. Review status: criteria provided, single submitter. Criteria: ACMG Guidelines, 2015. Collection method: clinical testing. Allele origin: germline. Not counted in ClinVar's aggregate classification.

Genome-Nilou Lab
Classification: Benign for Cardiofaciocutaneous syndrome 4. Last evaluated: 2021-09-05. Review status: criteria provided, single submitter. Criteria: ACMG Guidelines, 2015. Collection method: clinical testing. Allele origin: germline. Affected: no. Not counted in ClinVar's aggregate classification.

Ambry Genetics
Classification: Benign for Cardiovascular phenotype. Last evaluated: 2019-01-21. Review status: criteria provided, single submitter. Criteria: Ambry Variant Classification Scheme 2023. Collection method: clinical testing. Allele origin: germline. Not counted in ClinVar's aggregate classification.

Mayo Clinic Laboratories, Mayo Clinic
Classification: Benign. Last evaluated: 2014-05-08. Review status: criteria provided, single submitter. Criteria: ACMG Guidelines, 2015. Collection method: clinical testing. Allele origin: germline. Observed: 502 variant alleles. Not counted in ClinVar's aggregate classification.

GeneDx
Classification: Benign. Last evaluated: 2012-01-24. Review status: criteria provided, single submitter. Criteria: GeneDx Variant Classification (06012015). Collection method: clinical testing. Allele origin: germline. Affected: yes. Not counted in ClinVar's aggregate classification.
Comment: This variant is considered likely benign or benign based on one or more of the following criteria: it is a conservative change, it occurs at a poorly conserved position in the protein, it is predicted to be benign by multiple in silico algorithms, and/or has population frequency not consistent with disease.

Laboratory for Molecular Medicine, Mass General Brigham Personalized Medicine
Classification: Benign. Last evaluated: 2008-07-29. Review status: criteria provided, single submitter. Criteria: LMM Criteria. Collection method: clinical testing. Allele origin: germline. Observed: 973 variant alleles. Not counted in ClinVar's aggregate classification.

Breakthrough Genomics
Classification: Benign. Review status: criteria provided, single submitter. Criteria: ACMG Guidelines, 2015. Collection method: not provided. Allele origin: germline. Inheritance: Autosomal dominant inheritance. Affected: yes. Not counted in ClinVar's aggregate classification.

PreventionGenetics, part of Exact Sciences
Classification: Benign. Review status: criteria provided, single submitter. Criteria: ACMG Guidelines, 2015. Collection method: clinical testing. Allele origin: germline. Not counted in ClinVar's aggregate classification.

Baylor Genetics
Classification: Benign for Rasopathy. Review status: no assertion criteria provided. Collection method: clinical testing. Allele origin: unknown. Affected: yes. Not counted in ClinVar's aggregate classification.
Comment: Variant classified using ACMG guidelines

Clinical Genetics, Academic Medical Center
Classification: Benign. Review status: no assertion criteria provided. Collection method: clinical testing. Allele origin: germline. Affected: yes. Study: VKGL Data-share Consensus. Not counted in ClinVar's aggregate classification.

Diagnostic Laboratory, Department of Genetics, University Medical Center Groningen
Classification: Benign. Review status: no assertion criteria provided. Collection method: clinical testing. Allele origin: germline. Affected: yes. Study: VKGL Data-share Consensus. Not counted in ClinVar's aggregate classification.